The following is an entry in ClinVar:

NM_005529.7(HSPG2):c.7816G>T (p.Ala2606Ser)

Gene: HSPG2 (heparan sulfate proteoglycan 2; minus strand). Cytogenetic location: 1p36.12.
Variant type: single nucleotide variant.
Coding change: c.7816G>T on transcript NM_005529.7 (MANE Select); coding-DNA position 7816, G replaced by T.
Protein change: p.Ala2606Ser; replaces alanine 2606 with serine.
Molecular consequence: missense variant.
Genome position (GRCh38, 1-based): chr1:21,848,015, C>A on the plus strand (G>T on the coding strand, the complement: HSPG2 is on the minus strand). VCF-style: chr1-21848015-C-A. GRCh37 (hg19) VCF-style: chr1-22174508-C-A.
Other names: c.7819G>T, p.Ala2607Ser (NM_001291860.2); short protein forms A2606S, A2607S.
Identifiers: ClinVar variation 1912571 (VCV001912571.2), dbSNP rs759184289, ClinGen allele CA671049.
Genomic context (GRCh38, chr1:21,848,015, plus strand): 5'-CACCGTGGGAGGAACCGCTGCCCTGGATGGTGACGATGAGCGAGGTCTCCCGGGAGCCTG[C>A]ACCGTTACTGACGTGACACACGTACTCGCCCGAGTCTGCCGGAGTCACCTGAGGGATCCG-3'
Protein context (NP_005520.4, residues 2596-2616): GEYVCHVSNG[Ala2606Ser]GSRETSLIVT

ClinVar aggregate classification (germline): Uncertain significance (1 of 4 stars; one submission).

Allele frequency attached by ClinVar (database versions not stated): TOPMed 0.00003; ExAC 0.00008.
gnomAD v4.1: 19 of 1,613,384 alleles (0.0012%); highest among the groups gnomAD compares: Admixed American, 0.032%; no homozygotes.

Submission:

Labcorp Genetics (formerly Invitae), Labcorp
Classification: Uncertain significance. Last evaluated: 2022-08-16. Review status: criteria provided, single submitter. Criteria: Invitae Variant Classification Sherloc (09022015). Collection method: clinical testing. Allele origin: germline.
Comment: This sequence change replaces alanine, which is neutral and non-polar, with serine, which is neutral and polar, at codon 2606 of the HSPG2 protein (p.Ala2606Ser). This variant is present in population databases (rs759184289, gnomAD 0.05%). This variant has not been reported in the literature in individuals affected with HSPG2-related conditions. Algorithms developed to predict the effect of missense changes on protein structure and function (SIFT, PolyPhen-2, Align-GVGD) all suggest that this variant is likely to be tolerated. In summary, the available evidence is currently insufficient to determine the role of this variant in disease. Therefore, it has been classified as a Variant of Uncertain Significance.